The following is an entry in ClinVar:

NM_016032.4(ZDHHC9):c.806G>A (p.Arg269His)

Gene: ZDHHC9 (zDHHC palmitoyltransferase 9; minus strand). Cytogenetic location: Xq26.1.
Variant type: single nucleotide variant.
Coding change: c.806G>A on transcript NM_016032.4 (MANE Select); coding-DNA position 806, G replaced by A.
Protein change: p.Arg269His; replaces arginine 269 with histidine.
Molecular consequence: missense variant.
Genome position (GRCh38, 1-based): chrX:129,811,481, C>T on the plus strand (G>A on the coding strand, the complement: ZDHHC9 is on the minus strand). VCF-style: chrX-129811481-C-T. GRCh37 (hg19) VCF-style: chrX-128945457-C-T.
Other names: c.806G>A, p.Arg269His (NM_001008222.3); short protein forms R269H.
Identifiers: ClinVar variation 2430728 (VCV002430728.3), dbSNP rs1164995885, ClinGen allele CA414582696.

ClinVar aggregate classification (germline): Uncertain significance. Review status: criteria provided, multiple submitters, no conflicts (2 of 4 stars). 2 submissions from 2 submitters: Uncertain significance (2). Last evaluated 2025-05-05.

Conditions:
Intellectual developmental disorder, X-linked, syndromic, Raymond type. Also called: Syndromic X-linked intellectual disability Raymond type. Identifiers: MedGen C3275406, MONDO:0010427, OMIM 300799.

Allele frequency attached by ClinVar (database versions not stated): gnomAD exomes below 0.00001.
gnomAD v4.1: 2 of 1,208,583 alleles (0.00017%); highest among the groups gnomAD compares: East Asian, 0.003%; no homozygotes.

Submissions (2):

Labcorp Genetics (formerly Invitae), Labcorp
Classification: Uncertain significance for Intellectual developmental disorder, X-linked, syndromic, Raymond type. Last evaluated: 2025-05-05. Review status: criteria provided, single submitter. Criteria: Invitae Variant Classification Sherloc (09022015). Collection method: clinical testing. Allele origin: germline.
Comment: This sequence change replaces arginine, which is basic and polar, with histidine, which is basic and polar, at codon 269 of the ZDHHC9 protein (p.Arg269His). This variant is present in population databases (no rsID available, gnomAD 0.008%). This variant has not been reported in the literature in individuals affected with ZDHHC9-related conditions. ClinVar contains an entry for this variant (Variation ID: 2430728). An algorithm developed to predict the effect of missense changes on protein structure and function (PolyPhen-2) suggests that this variant is likely to be disruptive. In summary, the available evidence is currently insufficient to determine the role of this variant in disease. Therefore, it has been classified as a Variant of Uncertain Significance.

GeneDx
Classification: Uncertain significance. Last evaluated: 2022-08-16. Review status: criteria provided, single submitter. Criteria: GeneDx Variant Classification Process June 2021. Collection method: clinical testing. Allele origin: germline. Affected: yes.
Comment: Not observed at significant frequency in large population cohorts (gnomAD); In silico analysis supports that this missense variant does not alter protein structure/function; Has not been previously published as pathogenic or benign to our knowledge